The following is an entry in ClinVar:

ClinVar aggregate classification (germline): Likely benign (1 of 4 stars; one submission).

Submission:

CeGaT Center for Human Genetics Tuebingen
Classification: Likely benign. Last evaluated: 2023-09-01. Review status: criteria provided, single submitter. Criteria: CeGaT Center For Human Genetics Tuebingen Variant Classification Criteria Version 2. Collection method: clinical testing. Allele origin: germline. Affected: yes. Observed: 1 variant allele.
Comment: OPLAH: BP4

NM_017570.5(OPLAH):c.3721-8G>C

Gene: OPLAH (5-oxoprolinase, ATP-hydrolysing; minus strand). Cytogenetic location: 8q24.3.
Variant type: single nucleotide variant.
Coding change: c.3721-8G>C on transcript NM_017570.5 (MANE Select); 8 bases into the intron before coding-DNA position 3721, G replaced by C.
Molecular consequence: intron variant.
Genome position (GRCh38, 1-based): chr8:144,051,480, C>G on the plus strand (G>C on the coding strand, the complement: OPLAH is on the minus strand). VCF-style: chr8-144051480-C-G. GRCh37 (hg19) VCF-style: chr8-145106381-C-G.
Identifiers: ClinVar variation 2658965 (VCV002658965.24), dbSNP rs1554757632, ClinGen allele CA463433813.